The following is an entry in ClinVar:

NM_001065.4(TNFRSF1A):c.774G>T (p.Glu258Asp)

Gene: TNFRSF1A (TNF receptor superfamily member 1A; minus strand). Cytogenetic location: 12p13.31.
Variant type: single nucleotide variant.
Coding change: c.774G>T on transcript NM_001065.4 (MANE Select); coding-DNA position 774, G replaced by T.
Protein change: p.Glu258Asp; replaces glutamic acid 258 with aspartic acid.
Molecular consequence: missense variant. On other transcripts: non-coding transcript variant (1).
Genome position (GRCh38, 1-based): chr12:6,330,061, C>A on the plus strand (G>T on the coding strand, the complement: TNFRSF1A is on the minus strand). VCF-style: chr12-6330061-C-A. GRCh37 (hg19) VCF-style: chr12-6439227-C-A.
Other names: c.450G>T, p.Glu150Asp (NM_001346091.2); c.315G>T, p.Glu105Asp (NM_001346092.2); short protein forms E150D, E105D, E258D.
Identifiers: ClinVar variation 2986341 (VCV002986341.3), dbSNP rs1233608513, ClinGen allele CA383546229.
Genomic context (GRCh38, chr12:6,330,061, plus strand): 5'-GCCTGGAGTGGGACTGAAGCTTGGGTTTGGGGCCAGGGGCTTAGTAGTAGTTCCTTCAAG[C>A]TCCCCCTGAAAGAGAGAAGGTGGCGCAGCATTAGTGCGGCAGCGAAAACCAGCCCCGGCC-3'
Protein context (NP_001056.1, residues 248-268): CGKSTPEKEG[Glu258Asp]LEGTTTKPLA

ClinVar aggregate classification (germline): Uncertain significance (1 of 4 stars; one submission).

Conditions:
TNF receptor-associated periodic fever syndrome (TRAPS) (FPF). Also called: Autosomal Dominant Familial Periodic Fever; FAMILIAL HIBERNIAN FEVER; TNF RECEPTOR-ASSOCIATED PERIODIC SYNDROME; TUMOR NECROSIS FACTOR RECEPTOR-ASSOCIATED PERIODIC SYNDROME; TNF Receptor-Associated Periodic Fever Syndrome; TNF receptor 1-associated periodic fever syndrome. Identifiers: Orphanet 32960, MedGen C1275126, MONDO:0007727, OMIM 142680.

Allele frequency attached by ClinVar (database versions not stated): TOPMed below 0.00001.
gnomAD v4.1: 1 of 1,612,996 alleles (0.000062%); highest among the groups gnomAD compares: Non-Finnish European, 0.000085%; no homozygotes.

Submission:

Labcorp Genetics (formerly Invitae), Labcorp
Classification: Uncertain significance for TNF receptor-associated periodic fever syndrome (TRAPS). Last evaluated: 2024-04-27. Review status: criteria provided, single submitter. Criteria: Invitae Variant Classification Sherloc (09022015). Collection method: clinical testing. Allele origin: germline.
Comment: This sequence change replaces glutamic acid, which is acidic and polar, with aspartic acid, which is acidic and polar, at codon 258 of the TNFRSF1A protein (p.Glu258Asp). This variant is not present in population databases (gnomAD no frequency). This variant has not been reported in the literature in individuals affected with TNFRSF1A-related conditions. Algorithms developed to predict the effect of missense changes on protein structure and function output the following: SIFT: "Not Available"; PolyPhen-2: "Benign"; Align-GVGD: "Not Available". The aspartic acid amino acid residue is found in multiple mammalian species, which suggests that this missense change does not adversely affect protein function. In summary, the available evidence is currently insufficient to determine the role of this variant in disease. Therefore, it has been classified as a Variant of Uncertain Significance.